The following is an entry in ClinVar:

ClinVar aggregate classification (germline): Likely pathogenic (1 of 4 stars; one submission).

Conditions:
Smith-Lemli-Opitz syndrome (SLOS). Also called: LETHAL ACRODYSGENITAL SYNDROME; POLYDACTYLY, SEX REVERSAL, RENAL HYPOPLASIA, AND UNILOBAR LUNG; RSH SYNDROME; RUTLEDGE LETHAL MULTIPLE CONGENITAL ANOMALY SYNDROME; 7-Dehydrocholesterol reductase deficiency. Identifiers: Orphanet 818, MedGen C0175694, MONDO:0010035, OMIM 270400.

Submission:

Natera, Inc.
Classification: Likely pathogenic for Smith-Lemli-Opitz syndrome. Last evaluated: 2024-03-04. Review status: criteria provided, single submitter. Criteria: Natera Variant Classification Schema (03/2026). Collection method: clinical testing. Allele origin: germline.
Comment: The c.723delG variant in DHCR7 is a frameshift variant predicted to shift the reading frame beginning at codon 242 and leads to a stop codon 25 codons downstream. This variant is expected to result in nonsense mediated decay, truncation, or a dysfunctional protein product. This variant is rare in the general population with a frequency below the threshold expected for the associated phenotype(s). Given the available evidence, this variant is classified as Likely Pathogenic.

NM_001360.3(DHCR7):c.723del (p.Arg242fs)

Gene: DHCR7 (7-dehydrocholesterol reductase; minus strand). Cytogenetic location: 11q13.4.
Variant type: Deletion.
Coding change: c.723del on transcript NM_001360.3 (MANE Select); coding-DNA position 723, one base deleted (G; older notation c.723delG).
Protein change: p.Arg242fs; shifts the reading frame from arginine 242.
Molecular consequence: frameshift variant.
Genome position (GRCh38, 1-based): chr11:71,438,987, C deleted on the plus strand (G on the coding strand, the reverse complement: DHCR7 is on the minus strand); the first of 3 consecutive C bases (chr11:71,438,987-71,438,989); deleting any one gives the same sequence. VCF-style (leftmost placement, unchanged base first): chr11-71438986-GC-G. GRCh37 (hg19) VCF-style: chr11-71150032-GC-G.
Other names: c.549del, p.Arg184fs (NM_001425117.1); c.723del, p.Arg242fs (NM_001425118.1, NM_001425119.1, NM_001425120.1 and 6 more transcripts); c.723delG (NM_001360.2); c.774del, p.Arg259fs (NM_001425107.1); c.759del, p.Arg254fs (NM_001425108.1); c.663del, p.Arg222fs (NM_001425113.1); c.627del, p.Arg210fs (NM_001425114.1, NM_001425116.1); short protein forms R184fs, R210fs, R222fs, R242fs, R254fs, R259fs.
Identifiers: ClinVar variation 4814836 (VCV004814836.1).
Genomic context (GRCh38, chr11:71,438,986, plus strand): 5'-GCTCCCGCTGCTTCGCTGCGAAGGACAGGTTGATGAGGGTCCAGGCGACGATCCCGGGGC[GC>G]CCATTGAAGAACAGCTTGAAGTCAAACCACTTCCCGATCCGAGGGTTAAACTCGATGCCC-3'